The following is an entry in ClinVar:

ClinVar aggregate classification (germline): Uncertain significance. Review status: criteria provided, multiple submitters, no conflicts (2 of 4 stars). 2 submissions from 2 submitters: Uncertain significance (2). Last evaluated 2024-12-12.

Conditions:
Inborn genetic diseases. Identifiers: MedGen C0950123, MeSH D030342.
Baller-Gerold syndrome (BGS). Also called: CRANIOSYNOSTOSIS WITH RADIAL DEFECTS. Identifiers: Orphanet 1225, MedGen C0265308, MONDO:0009039, OMIM 218600.

Allele frequency attached by ClinVar (database versions not stated): gnomAD exomes 0.00001 and 0.00002; ExAC 0.00002; TOPMed 0.00002; gnomAD 0.00004.
gnomAD v4.1: 18 of 1,612,694 alleles (0.0011%); highest among the groups gnomAD compares: African/African-American, 0.0053%; no homozygotes.

Submissions (2):

Ambry Genetics
Classification: Uncertain significance for Inborn genetic diseases. Last evaluated: 2024-12-12. Review status: criteria provided, single submitter. Criteria: Ambry Variant Classification Scheme 2023. Collection method: clinical testing. Allele origin: germline.
Comment: The p.P430S variant (also known as c.1288C>T), located in coding exon 7 of the RECQL4 gene, results from a C to T substitution at nucleotide position 1288. The proline at codon 430 is replaced by serine, an amino acid with similar properties. This amino acid position is conserved. In addition, this alteration is predicted to be tolerated by in silico analysis. Based on the available evidence, the clinical significance of this variant remains unclear.

Labcorp Genetics (formerly Invitae), Labcorp
Classification: Uncertain significance for Baller-Gerold syndrome. Last evaluated: 2024-10-29. Review status: criteria provided, single submitter. Criteria: Invitae Variant Classification Sherloc (09022015). Collection method: clinical testing. Allele origin: germline.
Comment: This sequence change replaces proline, which is neutral and non-polar, with serine, which is neutral and polar, at codon 430 of the RECQL4 protein (p.Pro430Ser). This variant is present in population databases (rs773561522, gnomAD 0.004%). This variant has not been reported in the literature in individuals affected with RECQL4-related conditions. ClinVar contains an entry for this variant (Variation ID: 571324). An algorithm developed to predict the effect of missense changes on protein structure and function outputs the following: PolyPhen-2: "Not Available". The serine amino acid residue is found in multiple mammalian species, which suggests that this missense change does not adversely affect protein function. In summary, the available evidence is currently insufficient to determine the role of this variant in disease. Therefore, it has been classified as a Variant of Uncertain Significance.

NM_004260.4(RECQL4):c.1288C>T (p.Pro430Ser)

Gene: RECQL4 (RecQ like helicase 4; minus strand). Cytogenetic location: 8q24.3.
Variant type: single nucleotide variant.
Coding change: c.1288C>T on transcript NM_004260.4 (MANE Select); coding-DNA position 1288, C replaced by T.
Protein change: p.Pro430Ser; replaces proline 430 with serine.
Molecular consequence: missense variant.
Genome position (GRCh38, 1-based): chr8:144,515,428, G>A on the plus strand (C>T on the coding strand, the complement: RECQL4 is on the minus strand). VCF-style: chr8-144515428-G-A. GRCh37 (hg19) VCF-style: chr8-145740812-G-A.
Other names: short protein forms P430S.
Identifiers: ClinVar variation 571324 (VCV000571324.7), dbSNP rs773561522, ClinGen allele CA4948921.